The following is an entry in ClinVar:

NM_001372044.2(SHANK3):c.2285C>A (p.Thr762Asn)

Gene: SHANK3 (SH3 and multiple ankyrin repeat domains 3; plus strand). Cytogenetic location: 22q13.33.
Variant type: single nucleotide variant.
Coding change: c.2285C>A on transcript NM_001372044.2 (MANE Select); coding-DNA position 2285, C replaced by A.
Protein change: p.Thr762Asn; replaces threonine 762 with asparagine.
Molecular consequence: missense variant.
Genome position (GRCh38, 1-based): chr22:50,706,102, C>A. VCF-style: chr22-50706102-C-A. GRCh37 (hg19) VCF-style: chr22-51144530-C-A.
Other names: c.2060C>A, p.Thr687Asn (NM_033517.1); short protein forms T687N, T762N.
Identifiers: ClinVar variation 3161542 (VCV003161542.2), dbSNP rs2518408527, ClinGen allele CA515257203.

ClinVar aggregate classification (germline): Uncertain significance. Review status: criteria provided, multiple submitters, no conflicts (2 of 4 stars). 2 submissions from 2 submitters: Uncertain significance (2). Last evaluated 2024-08-21.

Conditions:
Inborn genetic diseases. Identifiers: MedGen C0950123, MeSH D030342.

Allele frequency attached by ClinVar (database versions not stated): gnomAD exomes below 0.00001.

Submissions (2):

GeneDx
Classification: Uncertain significance. Last evaluated: 2024-08-21. Review status: criteria provided, single submitter. Criteria: GeneDx Variant Classification Process June 2021. Collection method: clinical testing. Allele origin: germline. Affected: yes.
Comment: Not observed at significant frequency in large population cohorts (gnomAD); In silico analysis supports that this missense variant has a deleterious effect on protein structure/function; Has not been previously published as pathogenic or benign to our knowledge

Ambry Genetics
Classification: Uncertain significance for Inborn genetic diseases. Last evaluated: 2024-01-30. Review status: criteria provided, single submitter. Criteria: Ambry Variant Classification Scheme 2023. Collection method: clinical testing. Allele origin: germline.